The following is an entry in ClinVar:

ClinVar aggregate classification (germline): Uncertain significance (1 of 4 stars; one submission).

Conditions:
Hereditary cancer-predisposing syndrome. Also called: Neoplastic Syndromes, Hereditary; Tumor predisposition; Hereditary Cancer Syndrome; Hereditary neoplastic syndrome. Identifiers: Orphanet 140162, MedGen C0027672, MeSH D009386, MONDO:0015356.

Allele frequency attached by ClinVar (database versions not stated): gnomAD exomes below 0.00001.
gnomAD v4.1: 1 of 1,613,730 alleles (0.000062%); highest among the groups gnomAD compares: Non-Finnish European, 0.000085%; no homozygotes.

Submission:

Ambry Genetics
Classification: Uncertain significance for Hereditary cancer-predisposing syndrome. Last evaluated: 2022-05-02. Review status: criteria provided, single submitter. Criteria: Ambry Variant Classification Scheme 2023. Collection method: clinical testing. Allele origin: germline.
Comment: The p.G380A variant (also known as c.1139G>C), located in coding exon 12 of the BAP1 gene, results from a G to C substitution at nucleotide position 1139. The glycine at codon 380 is replaced by alanine, an amino acid with similar properties. This amino acid position is conserved. In addition, the in silico prediction for this alteration is inconclusive. Since supporting evidence is limited at this time, the clinical significance of this alteration remains unclear.

NM_004656.4(BAP1):c.1139G>C (p.Gly380Ala)

Gene: BAP1 (BRCA1 associated deubiquitinase 1; minus strand). Cytogenetic location: 3p21.1.
Variant type: single nucleotide variant.
Coding change: c.1139G>C on transcript NM_004656.4 (MANE Select); coding-DNA position 1139, G replaced by C.
Protein change: p.Gly380Ala; replaces glycine 380 with alanine.
Molecular consequence: missense variant.
Genome position (GRCh38, 1-based): chr3:52,404,564, C>G on the plus strand (G>C on the coding strand, the complement: BAP1 is on the minus strand). VCF-style: chr3-52404564-C-G. GRCh37 (hg19) VCF-style: chr3-52438580-C-G.
Other names: c.1085G>C, p.Gly362Ala (NM_001410772.1); short protein forms G362A, G380A.
Identifiers: ClinVar variation 1730666 (VCV001730666.2), dbSNP rs1559587902, ClinGen allele CA353103365.